The following is an entry in ClinVar:

ClinVar aggregate classification (germline): Uncertain significance (1 of 4 stars; one submission).

Submission:

GeneDx
Classification: Uncertain significance. Last evaluated: 2023-04-06. Review status: criteria provided, single submitter. Criteria: GeneDx Variant Classification Process June 2021. Collection method: clinical testing. Allele origin: germline. Affected: yes.
Comment: Not observed at significant frequency in large population cohorts (gnomAD); In silico analysis supports that this missense variant has a deleterious effect on protein structure/function; Has not been previously published as pathogenic or benign to our knowledge; Not located in one of the three hot-spot regions of the RYR2 gene, where the majority of pathogenic missense variants occur (Medeiros-Domingo et al., 2009)

NM_001035.3(RYR2):c.1658G>T (p.Gly553Val)

Gene: RYR2 (ryanodine receptor 2; plus strand). Cytogenetic location: 1q43.
Variant type: single nucleotide variant.
Coding change: c.1658G>T on transcript NM_001035.3 (MANE Select); coding-DNA position 1658, G replaced by T.
Protein change: p.Gly553Val; replaces glycine 553 with valine.
Molecular consequence: missense variant.
Genome position (GRCh38, 1-based): chr1:237,469,137, G>T. VCF-style: chr1-237469137-G-T. GRCh37 (hg19) VCF-style: chr1-237632437-G-T.
Other names: short protein forms G553V.
Identifiers: ClinVar variation 3342946 (VCV003342946.1).